The following is an entry in ClinVar:

ClinVar aggregate classification (germline): Uncertain significance (1 of 4 stars; one submission).

Conditions:
Hereditary cancer-predisposing syndrome. Also called: Tumor predisposition; Hereditary Cancer Syndrome; Hereditary neoplastic syndrome; Neoplastic Syndromes, Hereditary. Identifiers: Orphanet 140162, MedGen C0027672, MeSH D009386, MONDO:0015356.

Submission:

Ambry Genetics
Classification: Uncertain significance for Hereditary cancer-predisposing syndrome. Last evaluated: 2023-06-26. Review status: criteria provided, single submitter. Criteria: Ambry Variant Classification Scheme 2023. Collection method: clinical testing. Allele origin: germline.
Comment: The p.Y910F variant (also known as c.2729A>T), located in coding exon 24 of the POLE gene, results from an A to T substitution at nucleotide position 2729. The tyrosine at codon 910 is replaced by phenylalanine, an amino acid with highly similar properties. This amino acid position is conserved. In addition, this alteration is predicted to be tolerated by in silico analysis. Since supporting evidence is limited at this time, the clinical significance of this alteration remains unclear.

NM_006231.4(POLE):c.2729A>T (p.Tyr910Phe)

Gene: POLE (DNA polymerase epsilon, catalytic subunit; minus strand). Cytogenetic location: 12q24.33.
Variant type: single nucleotide variant.
Coding change: c.2729A>T on transcript NM_006231.4 (MANE Select); coding-DNA position 2729, A replaced by T.
Protein change: p.Tyr910Phe; replaces tyrosine 910 with phenylalanine.
Molecular consequence: missense variant.
Genome position (GRCh38, 1-based): chr12:132,661,662, T>A on the plus strand (A>T on the coding strand, the complement: POLE is on the minus strand). VCF-style: chr12-132661662-T-A. GRCh37 (hg19) VCF-style: chr12-133238248-T-A.
Other names: short protein forms Y910F.
Identifiers: ClinVar variation 2625225 (VCV002625225.2), dbSNP rs2135949520, ClinGen allele CA387393998.